The following is an entry in ClinVar:

ClinVar aggregate classification (germline): Uncertain significance (1 of 4 stars; one submission).

Conditions:
Charlevoix-Saguenay spastic ataxia (SACS). Also called: SPASTIC ATAXIA 6, AUTOSOMAL RECESSIVE; AUTOSOMAL RECESSIVE SPASTIC ATAXIA OF CHARLEVOIX-SAGUENAY; Spastic ataxia of Charlevoix-Saguenay. Identifiers: Orphanet 98, MedGen C1849140, MONDO:0010041, OMIM 270550.

Submission:

Neuberg Centre For Genomic Medicine, NCGM
Classification: Uncertain significance for Charlevoix-Saguenay spastic ataxia. Review status: criteria provided, single submitter. Criteria: ACMG Guidelines, 2015. Collection method: clinical testing. Allele origin: germline. Affected: yes.
Comment: The missense variant p.L2528W in SACS (NM_014363.6) has not been reported previously as a pathogenic variant nor as a benign variant, to our knowledge. The p.L2528W variant is novel (not in any individuals) in gnomAD Exomes and is novel (not in any individuals) in 1000 Genomes. The p.L2528W missense variant is predicted to be damaging by both SIFT and PolyPhen2. The leucine residue at codon 2528 of SACS is conserved in all mammalian species. The nucleotide c.7583 in SACS is predicted conserved by GERP++ and PhyloP across 100 vertebrates. For these reasons, this variant has been classified as Uncertain Significance.

NM_014363.6(SACS):c.7583T>G (p.Leu2528Trp)

Gene: SACS (sacsin molecular chaperone; minus strand). Cytogenetic location: 13q12.12.
Variant type: single nucleotide variant.
Coding change: c.7583T>G on transcript NM_014363.6 (MANE Select); coding-DNA position 7583, T replaced by G.
Protein change: p.Leu2528Trp; replaces leucine 2528 with tryptophan.
Molecular consequence: missense variant.
Genome position (GRCh38, 1-based): chr13:23,336,293, A>C on the plus strand (T>G on the coding strand, the complement: SACS is on the minus strand). VCF-style: chr13-23336293-A-C. GRCh37 (hg19) VCF-style: chr13-23910432-A-C.
Other names: c.7142T>G, p.Leu2381Trp (NM_001278055.2); short protein forms L2381W, L2528W.
Identifiers: ClinVar variation 1339015 (VCV001339015.2), dbSNP rs2137599038, ClinGen allele CA387518712.